The following is an entry in ClinVar:

GRCh37/hg19 10p15.3-15.1(chr10:138878-5160945)x3

Genes: PITRM1 (pitrilysin metallopeptidase 1; minus strand), GTPBP4 (GTP binding protein 4; plus strand), IDI1 (isopentenyl-diphosphate delta isomerase 1; minus strand), IDI2 (isopentenyl-diphosphate delta isomerase 2; minus strand), AKR1E2 (aldo-keto reductase family 1 member E2; plus strand) and 10 more. Cytogenetic location: 10p15.3-15.1.
Variant type: copy number gain.
Change: copy number 3 (three copies instead of two) of chr10:138,878-5,160,945 (5.02 Mb, GRCh37 coordinates, 1-based), cytogenetic band 10p15.3-15.1.
Identifiers: ClinVar variation 202235 (VCV000202235.4).

ClinVar aggregate classification (germline): Pathogenic (1 of 4 stars; one submission).

Submission:

Cytogenetics Laboratory, University of Washington
Classification: Pathogenic. Last evaluated: 2015-05-11. Review status: criteria provided, single submitter. Criteria: UW Cytogenetics and Genomics Laboratory Policy on CNV Interpretation (5/6/2015). Collection method: clinical testing. Allele origin: unknown. Affected: yes. Observed: 1 variant allele.

Literature cited by the submitters: PubMed 22433391; PubMed 16488200; PubMed 22407767.